The following is an entry in ClinVar:

NM_018136.5(ASPM):c.9C>T (p.Asn3=)

Gene: ASPM (assembly factor for spindle microtubules; minus strand). Cytogenetic location: 1q31.3.
Variant type: single nucleotide variant.
Coding change: c.9C>T on transcript NM_018136.5 (MANE Select); coding-DNA position 9, C replaced by T.
Protein change: p.Asn3=; no amino-acid change (asparagine 3 retained).
Molecular consequence: synonymous variant.
Genome position (GRCh38, 1-based): chr1:197,146,429, G>A on the plus strand (C>T on the coding strand, the complement: ASPM is on the minus strand). VCF-style: chr1-197146429-G-A. GRCh37 (hg19) VCF-style: chr1-197115559-G-A.
Other names: c.9C>T (NM_018136.4); c.9C>T, p.Asn3= (NM_001206846.2).
Identifiers: ClinVar variation 2180480 (VCV002180480.5), dbSNP rs373636557, ClinGen allele CA1310992.

ClinVar aggregate classification (germline): Likely benign. Review status: criteria provided, multiple submitters, no conflicts (2 of 4 stars). 2 submissions from 2 submitters: Likely benign (2). Last evaluated 2025-07-14.

Conditions:
ASPM-related disorder. Also called: ASPM-related condition.

Allele frequency attached by ClinVar (database versions not stated): ExAC 0.00004; TOPMed 0.00008.

Submissions (2):

Labcorp Genetics (formerly Invitae), Labcorp
Classification: Likely benign. Last evaluated: 2025-07-14. Review status: criteria provided, single submitter. Criteria: Invitae Variant Classification Sherloc (09022015). Collection method: clinical testing. Allele origin: germline.

PreventionGenetics, part of Exact Sciences
Classification: Likely benign for ASPM-related condition. Last evaluated: 2024-12-04. Review status: criteria provided, single submitter. Criteria: ACMG Guidelines, 2015. Collection method: clinical testing. Allele origin: germline.
Comment: This variant is classified as likely benign based on ACMG/AMP sequence variant interpretation guidelines (Richards et al. 2015 PMID: 25741868, with internal and published modifications).